The following is an entry in ClinVar:

ClinVar aggregate classification (germline): Uncertain significance (1 of 4 stars; one submission).

Allele frequency attached by ClinVar (database versions not stated): gnomAD exomes below 0.00001; gnomAD 0.00001.
gnomAD v4.1: 2 of 1,587,402 alleles (0.00013%); highest among the groups gnomAD compares: East Asian, 0.0023%; no homozygotes.

Submission:

GeneDx
Classification: Uncertain significance. Last evaluated: 2022-10-25. Review status: criteria provided, single submitter. Criteria: GeneDx Variant Classification Process June 2021. Collection method: clinical testing. Allele origin: germline. Affected: yes.
Comment: Not observed at significant frequency in large population cohorts (gnomAD); In silico analysis supports that this missense variant has a deleterious effect on protein structure/function; Has not been previously published as pathogenic or benign to our knowledge

NM_005883.3(APC2):c.1079A>G (p.Asp360Gly)

Gene: APC2 (APC regulator of WNT signaling pathway 2; plus strand). Cytogenetic location: 19p13.3.
Variant type: single nucleotide variant.
Coding change: c.1079A>G on transcript NM_005883.3 (MANE Select); coding-DNA position 1079, A replaced by G.
Protein change: p.Asp360Gly; replaces aspartic acid 360 with glycine.
Molecular consequence: missense variant.
Genome position (GRCh38, 1-based): chr19:1,457,115, A>G. VCF-style: chr19-1457115-A-G. GRCh37 (hg19) VCF-style: chr19-1457114-A-G.
Other names: c.1076A>G, p.Asp359Gly (NM_001351273.1); short protein forms D359G, D360G.
Identifiers: ClinVar variation 2500441 (VCV002500441.1), dbSNP rs1272870811, ClinGen allele CA403015370.